The following is an entry in ClinVar:

ClinVar aggregate classification (germline): Benign. Review status: criteria provided, multiple submitters, no conflicts (2 of 4 stars). 6 submissions from 6 submitters: Benign (6). Last evaluated 2026-04-14.

Conditions:
Familial intrahepatic cholestasis. Identifiers: Orphanet 284385, MedGen CN296401, MONDO:0017290.

Allele frequency attached by ClinVar (database versions not stated): gnomAD exomes 0.00526 and 0.01173; ExAC 0.03595; ESP Exome Variant Server 0.04930; gnomAD 0.05045 and 0.05331; TOPMed 0.05714; 1000 Genomes Project 0.06669; 1000 Genomes Project 30x 0.06839.
gnomAD v4.1: 14,630 of 1,408,792 alleles (1%); highest among the groups gnomAD compares: African/African-American, 17%; 1,061 homozygotes.

Submissions (6):

Genomenon, Inc
Classification: Benign for Familial intrahepatic cholestasis. Last evaluated: 2026-04-14. Review status: criteria provided, single submitter. Criteria: Genomenon Sequence Variant Interpretation Standards - Updated. Collection method: curation. Allele origin: germline. Affected: no.
Comment: ABCB11 c.477+16G>A is an intronic variant located in intron 6. This variant is present at high allele frequency in population databases. In conclusion, we classify ABCB11 c.477+16G>A as a benign variant.

Labcorp Genetics (formerly Invitae), Labcorp
Classification: Benign. Last evaluated: 2026-02-04. Review status: criteria provided, single submitter. Criteria: Invitae Variant Classification Sherloc (09022015). Collection method: clinical testing. Allele origin: germline.

Mayo Clinic Laboratories, Mayo Clinic
Classification: Benign. Last evaluated: 2022-04-08. Review status: criteria provided, single submitter. Criteria: ACMG Guidelines, 2015. Collection method: clinical testing. Allele origin: germline. Observed: 48 variant alleles.

GeneDx
Classification: Benign. Last evaluated: 2016-02-22. Review status: criteria provided, single submitter. Criteria: GeneDx Variant Classification (06012015). Collection method: clinical testing. Allele origin: germline. Affected: yes.
Comment: This variant is considered likely benign or benign based on one or more of the following criteria: it is a conservative change, it occurs at a poorly conserved position in the protein, it is predicted to be benign by multiple in silico algorithms, and/or has population frequency not consistent with disease.

Breakthrough Genomics
Classification: Benign. Review status: criteria provided, single submitter. Criteria: ACMG Guidelines, 2015. Collection method: not provided. Allele origin: germline. Inheritance: Autosomal recessive inheritance. Affected: yes.

PreventionGenetics, part of Exact Sciences
Classification: Benign. Review status: criteria provided, single submitter. Criteria: ACMG Guidelines, 2015. Collection method: clinical testing. Allele origin: germline.

NM_003742.4(ABCB11):c.477+16G>A

Gene: ABCB11 (ATP binding cassette subfamily B member 11; minus strand). Cytogenetic location: 2q31.1.
Variant type: single nucleotide variant.
Coding change: c.477+16G>A on transcript NM_003742.4 (MANE Select); 16 bases into the intron after coding-DNA position 477, G replaced by A.
Molecular consequence: intron variant.
Genome position (GRCh38, 1-based): chr2:168,996,619, C>T on the plus strand (G>A on the coding strand, the complement: ABCB11 is on the minus strand). VCF-style: chr2-168996619-C-T. GRCh37 (hg19) VCF-style: chr2-169853129-C-T.
Other names: p.?; c.477+16G>A (LRG_1199t1).
Identifiers: ClinVar variation 259156 (VCV000259156.9), dbSNP rs11568378, ClinGen allele CA1951880.